The following is an entry in ClinVar:

ClinVar aggregate classification (germline): Likely benign. Review status: criteria provided, multiple submitters, no conflicts (2 of 4 stars). 2 submissions from 2 submitters: Likely benign (2). Last evaluated 2023-08-01.

Conditions:
Intellectual developmental disorder, autosomal dominant 1. Also called: MBD5 Haploinsufficiency; Intellectual disability, autosomal dominant 1. Identifiers: Orphanet 228402, MedGen C1969562, MONDO:0007974, OMIM 156200.

Allele frequency attached by ClinVar (database versions not stated): gnomAD exomes below 0.00001; ExAC 0.00001; TOPMed 0.00001; ESP Exome Variant Server 0.00008.
gnomAD v4.1: 1 of 1,613,898 alleles (0.000062%); highest among the groups gnomAD compares: African/African-American, 0.0013%; no homozygotes.

Submissions (2):

CeGaT Center for Human Genetics Tuebingen
Classification: Likely benign. Last evaluated: 2023-08-01. Review status: criteria provided, single submitter. Criteria: CeGaT Center For Human Genetics Tuebingen Variant Classification Criteria Version 2. Collection method: clinical testing. Allele origin: germline. Affected: yes. Observed: 1 variant allele.
Comment: MBD5: BP4, BP7

Labcorp Genetics (formerly Invitae), Labcorp
Classification: Likely benign for Intellectual developmental disorder, autosomal dominant 1. Last evaluated: 2023-02-18. Review status: criteria provided, single submitter. Criteria: Invitae Variant Classification Sherloc (09022015). Collection method: clinical testing. Allele origin: germline.

NM_001378120.1(MBD5):c.5151C>T (p.Pro1717=)

Gene: MBD5 (methyl-CpG binding domain protein 5; plus strand). Cytogenetic location: 2q23.1.
Variant type: single nucleotide variant.
Coding change: c.5151C>T on transcript NM_001378120.1 (MANE Select); coding-DNA position 5151, C replaced by T.
Protein change: p.Pro1717=; no amino-acid change (proline 1717 retained).
Molecular consequence: synonymous variant.
Genome position (GRCh38, 1-based): chr2:148,512,908, C>T. VCF-style: chr2-148512908-C-T. GRCh37 (hg19) VCF-style: chr2-149270477-C-T.
Other names: c.4452C>T, p.Pro1484= (NM_018328.5).
Identifiers: ClinVar variation 2578868 (VCV002578868.28), dbSNP rs372247590, ClinGen allele CA1900563.